The following is an entry in ClinVar:

ClinVar aggregate classification (germline): Likely pathogenic (1 of 4 stars; one submission).

Conditions:
Early-infantile DEE. Also called: Early infantile epileptic encephalopathy with suppression bursts; Early infantile epileptic encephalopathy; Ohtahara syndrome. Identifiers: Orphanet 1934, MedGen C0393706, MONDO:0800491.

gnomAD v4.1: 2 of 1,611,864 alleles (0.00012%); highest among the groups gnomAD compares: Non-Finnish European, 0.00017%; no homozygotes.

Submission:

Labcorp Genetics (formerly Invitae), Labcorp
Classification: Likely pathogenic for Early-infantile DEE. Last evaluated: 2025-12-19. Review status: criteria provided, single submitter. Criteria: Invitae Variant Classification Sherloc (09022015). Collection method: clinical testing. Allele origin: germline.
Comment: This sequence change replaces leucine, which is neutral and non-polar, with arginine, which is basic and polar, at codon 1399 of the SCN1A protein (p.Leu1399Arg). This variant is present in population databases (no rsID available, gnomAD 0.0009%). This variant has not been reported in the literature in individuals affected with SCN1A-related conditions. Invitae Evidence Modeling of protein sequence and biophysical properties (such as structural, functional, and spatial information, amino acid conservation, physicochemical variation, residue mobility, and thermodynamic stability) indicates that this missense variant is expected to disrupt SCN1A protein function with a positive predictive value of 95%. This variant disrupts the p.Leu1399 amino acid residue in SCN1A. Other variant(s) that disrupt this residue have been determined to be pathogenic (internal data). This suggests that this residue is clinically significant, and that variants that disrupt this residue are likely to be disease-causing. In summary, the currently available evidence indicates that the variant is pathogenic, but additional data are needed to prove that conclusively. Therefore, this variant has been classified as Likely Pathogenic.

NM_001165963.4(SCN1A):c.4196T>G (p.Leu1399Arg)

Genes: SCN1A (sodium voltage-gated channel alpha subunit 1; minus strand), LOC102724058 (uncharacterized LOC102724058; plus strand). Cytogenetic location: 2q24.3.
Variant type: single nucleotide variant.
Coding change: c.4196T>G on transcript NM_001165963.4 (MANE Select); coding-DNA position 4196, T replaced by G.
Protein change: p.Leu1399Arg; replaces leucine 1399 with arginine.
Molecular consequence: missense variant. On other transcripts: non-coding transcript variant (1).
Genome position (GRCh38, 1-based): chr2:166,002,560, A>C on the plus strand (T>G on the coding strand, the complement: SCN1A is on the minus strand). VCF-style: chr2-166002560-A-C. GRCh37 (hg19) VCF-style: chr2-166859070-A-C.
Other names: c.4112T>G, p.Leu1371Arg (NM_001165964.3, NM_001353957.2, NM_001353958.2); c.4196T>G, p.Leu1399Arg (NM_001202435.3, NM_001353948.2); c.4163T>G, p.Leu1388Arg (NM_001353949.2, NM_001353950.2, NM_001353951.2 and 2 more transcripts); c.4160T>G, p.Leu1387Arg (NM_001353954.2, NM_001353955.2); c.4109T>G, p.Leu1370Arg (NM_001353960.2); c.1754T>G, p.Leu585Arg (NM_001353961.2); short protein forms L1370R, L1371R, L1387R, L1388R, L1399R, L585R.
Identifiers: ClinVar variation 4800268 (VCV004800268.1).
Genomic context (GRCh38, chr2:166,002,560, plus strand): 5'-CCTACATTATCAAAGTTTACTTTCACATTTTTCCATCGAGCAGTCTCATTTCTTTCTATT[A>C]GTTTTAGGCAATCAGTATGATTATTCACGTCTTCGATGTCAAACCTGTCACCAGTTGTGG-3'
Protein context (NP_001159435.1, residues 1389-1409): DVNNHTDCLK[Leu1399Arg]IERNETARWK